The following is an entry in ClinVar:

ClinVar aggregate classification (germline): Pathogenic (1 of 4 stars; one submission).

Submission:

Labcorp Genetics (formerly Invitae), Labcorp
Classification: Pathogenic. Last evaluated: 2022-12-07. Review status: criteria provided, single submitter. Criteria: Invitae Variant Classification Sherloc (09022015). Collection method: clinical testing. Allele origin: germline.
Comment: For these reasons, this variant has been classified as Pathogenic. This variant has not been reported in the literature in individuals affected with COL2A1-related conditions. This variant is not present in population databases (gnomAD no frequency). This sequence change creates a premature translational stop signal (p.Gly174Trpfs*15) in the COL2A1 gene. It is expected to result in an absent or disrupted protein product. Loss-of-function variants in COL2A1 are known to be pathogenic (PMID: 20179744).

Literature cited by the submitters: PubMed 20179744.

NM_001844.5(COL2A1):c.518dup (p.Gly174fs)

Gene: COL2A1 (collagen type II alpha 1 chain; minus strand). Cytogenetic location: 12q13.11.
Variant type: Duplication.
Coding change: c.518dup on transcript NM_001844.5 (MANE Select); coding-DNA position 518, one base duplicated (C; older notation c.518dupC).
Protein change: p.Gly174fs; shifts the reading frame from glycine 174.
Molecular consequence: frameshift variant.
Genome position (GRCh38, 1-based): chr12:47,997,619, G duplicated on the plus strand (C on the coding strand, the reverse complement: COL2A1 is on the minus strand); the first of 5 consecutive G bases (chr12:47,997,619-47,997,623); duplicating any one gives the same sequence. VCF-style (leftmost placement, unchanged base first): chr12-47997618-A-AG. GRCh37 (hg19) VCF-style: chr12-48391401-A-AG.
Other names: c.311dup, p.Gly105fs (NM_033150.3); short protein forms G105fs, G174fs.
Identifiers: ClinVar variation 2819078 (VCV002819078.3), dbSNP rs2540179988, ClinGen allele CA2739271955.
Genomic context (GRCh38, chr12:47,997,618, plus strand): 5'-ACATTTCTGGAGGGACAGCCTGAAGGAATGGGAAGTAAGGATACTTACTCCACCAAGACC[A>AG]GGGGGACCAGGGGGGCCGGGAGGACCAGGGGGGCCAGGATTTCCAGGGGTCCCAGGTTCT-3'